The following is an entry in ClinVar:

NM_003072.5(SMARCA4):c.4931G>A (p.Ser1644Asn)

Gene: SMARCA4 (SWI/SNF related BAF chromatin remodeling complex subunit ATPase 4; plus strand). Cytogenetic location: 19p13.2.
Variant type: single nucleotide variant.
Coding change: c.4931G>A on transcript NM_003072.5 (MANE Select); coding-DNA position 4931, G replaced by A.
Protein change: p.Ser1644Asn; replaces serine 1644 with asparagine.
Molecular consequence: missense variant. On other transcripts: non-coding transcript variant (1).
Genome position (GRCh38, 1-based): chr19:11,061,803, G>A. VCF-style: chr19-11061803-G-A. GRCh37 (hg19) VCF-style: chr19-11172479-G-A.
Other names: c.4931G>A, p.Ser1644Asn (NM_001128844.3); c.4841G>A, p.Ser1614Asn (NM_001128845.2); c.4838G>A, p.Ser1613Asn (NM_001128846.2); c.4832G>A, p.Ser1611Asn (NM_001128847.4, NM_001374457.1); c.4829G>A, p.Ser1610Asn (NM_001128848.2); c.5027G>A, p.Ser1676Asn (NM_001128849.3, NM_001387283.1); c.4928G>A, p.Ser1643Asn (NM_001411150.1); short protein forms S1613N, S1614N, S1643N, S1610N, S1644N, S1611N, S1676N.
Identifiers: ClinVar variation 3636893 (VCV003636893.2).

ClinVar aggregate classification (germline): Uncertain significance (1 of 4 stars; one submission).

Conditions:
Rhabdoid tumor predisposition syndrome 2 (RTPS2). Identifiers: Orphanet 231108, Orphanet 69077, MedGen C2750074, MONDO:0013224, OMIM 613325.

Submission:

Labcorp Genetics (formerly Invitae), Labcorp
Classification: Uncertain significance for Rhabdoid tumor predisposition syndrome 2. Last evaluated: 2024-07-24. Review status: criteria provided, single submitter. Criteria: Invitae Variant Classification Sherloc (09022015). Collection method: clinical testing. Allele origin: germline.
Comment: This sequence change replaces serine, which is neutral and polar, with asparagine, which is neutral and polar, at codon 1676 of the SMARCA4 protein (p.Ser1676Asn). This variant is not present in population databases (gnomAD no frequency). This variant has not been reported in the literature in individuals affected with SMARCA4-related conditions. Advanced modeling of protein sequence and biophysical properties (such as structural, functional, and spatial information, amino acid conservation, physicochemical variation, residue mobility, and thermodynamic stability) performed at Invitae indicates that this missense variant is expected to disrupt SMARCA4 protein function with a positive predictive value of 80%. In summary, the available evidence is currently insufficient to determine the role of this variant in disease. Therefore, it has been classified as a Variant of Uncertain Significance.